The following is an entry in ClinVar:

ClinVar aggregate classification (germline): Uncertain significance. Review status: criteria provided, multiple submitters, no conflicts (2 of 4 stars). 2 submissions from 2 submitters: Uncertain significance (2). Last evaluated 2025-05-07.

Conditions:
Inborn genetic diseases. Identifiers: MedGen C0950123, MeSH D030342.

gnomAD v4.1: 8 of 1,612,898 alleles (0.0005%); highest among the groups gnomAD compares: African/African-American, 0.011%; no homozygotes.

Submissions (2):

Mayo Clinic Laboratories, Mayo Clinic
Classification: Uncertain significance. Last evaluated: 2025-05-07. Review status: criteria provided, single submitter. Criteria: ACMG Guidelines, 2015. Collection method: clinical testing. Allele origin: germline. Observed: 1 variant allele.
Comment: PP3_moderate, PM2_supporting

Ambry Genetics
Classification: Uncertain significance for Inborn genetic diseases. Last evaluated: 2025-03-08. Review status: criteria provided, single submitter. Criteria: Ambry Variant Classification Scheme 2023. Collection method: clinical testing. Allele origin: germline.

NM_002076.4(GNS):c.712T>C (p.Trp238Arg)

Gene: GNS (glucosamine (N-acetyl)-6-sulfatase; minus strand). Cytogenetic location: 12q14.3.
Variant type: single nucleotide variant.
Coding change: c.712T>C on transcript NM_002076.4 (MANE Select); coding-DNA position 712, T replaced by C.
Protein change: p.Trp238Arg; replaces tryptophan 238 with arginine.
Molecular consequence: missense variant.
Genome position (GRCh38, 1-based): chr12:64,743,221, A>G on the plus strand (T>C on the coding strand, the complement: GNS is on the minus strand). VCF-style: chr12-64743221-A-G. GRCh37 (hg19) VCF-style: chr12-65137001-A-G.
Other names: p.Trp238Arg; short protein forms W238R.
Identifiers: ClinVar variation 3854568 (VCV003854568.2).